The following is an entry in ClinVar:

ClinVar aggregate classification (germline): Conflicting classifications of pathogenicity. Review status: criteria provided, conflicting classifications (1 of 4 stars). 4 submissions from 4 submitters: Uncertain significance (3); Likely benign (1). Last evaluated 2025-05-07.

Conditions:
Hereditary cancer-predisposing syndrome. Also called: Neoplastic Syndromes, Hereditary; Tumor predisposition; Hereditary Cancer Syndrome; Hereditary neoplastic syndrome. Identifiers: Orphanet 140162, MedGen C0027672, MeSH D009386, MONDO:0015356.
Familial cancer of breast. Also called: BREAST CANCER, FAMILIAL; hereditary breast carcinoma; Hereditary breast cancer. Identifiers: Orphanet 227535, MedGen C0346153, MONDO:0016419, OMIM 114480. Disease mechanism: loss of function.

Allele frequency attached by ClinVar (database versions not stated): gnomAD 0.00001; TOPMed 0.00001.
gnomAD v4.1: 1 of 1,612,608 alleles (0.000062%); highest among the groups gnomAD compares: African/African-American, 0.0013%; no homozygotes.

Submissions (4):

Labcorp Genetics (formerly Invitae), Labcorp
Classification: Likely benign for Familial cancer of breast. Last evaluated: 2025-05-07. Review status: criteria provided, single submitter. Criteria: Invitae Variant Classification Sherloc (09022015). Collection method: clinical testing. Allele origin: germline.

Ambry Genetics
Classification: Uncertain significance for Hereditary cancer-predisposing syndrome. Last evaluated: 2025-05-01. Review status: criteria provided, single submitter. Criteria: Ambry Variant Classification Scheme 2023. Collection method: clinical testing. Allele origin: germline.
Comment: The c.1568+3A>G intronic variant results from an A to G substitution 3 nucleotides after coding exon 6 in the BARD1 gene. This nucleotide position is not well conserved in available vertebrate species. In silico splice site analysis for this alteration is inconclusive and direct evidence is insufficient at this time (Ambry internal data). Since supporting evidence is limited at this time, the clinical significance of this alteration remains unclear.

GeneDx
Classification: Uncertain significance. Last evaluated: 2020-08-24. Review status: criteria provided, single submitter. Criteria: GeneDx Variant Classification Process June 2021. Collection method: clinical testing. Allele origin: germline. Affected: yes.
Comment: Not observed in large population cohorts (Lek 2016); Has not been previously published as pathogenic or benign to our knowledge; In-silico analysis, which includes splice predictors and evolutionary conservation, is inconclusive as to whether the variant alters gene splicing. In the absence of RNA/functional studies, the actual effect of this sequence change is unknown.

Color Diagnostics, LLC DBA Color Health
Classification: Uncertain significance for Hereditary cancer-predisposing syndrome. Last evaluated: 2019-01-01. Review status: criteria provided, single submitter. Criteria: ACMG Guidelines, 2015. Collection method: clinical testing. Allele origin: germline.

NM_000465.4(BARD1):c.1568+3A>G

Gene: BARD1 (BRCA1 associated RING domain 1; minus strand). Cytogenetic location: 2q35.
Variant type: single nucleotide variant.
Coding change: c.1568+3A>G on transcript NM_000465.4 (MANE Select); 3 bases into the intron after coding-DNA position 1568, A replaced by G.
Molecular consequence: intron variant.
Genome position (GRCh38, 1-based): chr2:214,767,479, T>C on the plus strand (A>G on the coding strand, the complement: BARD1 is on the minus strand). VCF-style: chr2-214767479-T-C. GRCh37 (hg19) VCF-style: chr2-215632203-T-C.
Other names: c.1568+3A>G (LRG_297t1); c.159-14924A>G (NM_001282548.2); c.1511+3A>G (NM_001282543.2); c.216-14924A>G (NM_001282545.2); c.364+24818A>G (NM_001282549.2).
Identifiers: ClinVar variation 460711 (VCV000460711.18), dbSNP rs1280734884, ClinGen allele CA658657231.